The following is an entry in ClinVar:

NM_004369.4(COL6A3):c.1852C>T (p.Pro618Ser)

Gene: COL6A3 (collagen type VI alpha 3 chain; minus strand). Cytogenetic location: 2q37.3.
Variant type: single nucleotide variant.
Coding change: c.1852C>T on transcript NM_004369.4 (MANE Select); coding-DNA position 1852, C replaced by T.
Protein change: p.Pro618Ser; replaces proline 618 with serine.
Molecular consequence: missense variant.
Genome position (GRCh38, 1-based): chr2:237,380,960, G>A on the plus strand (C>T on the coding strand, the complement: COL6A3 is on the minus strand). VCF-style: chr2-237380960-G-A. GRCh37 (hg19) VCF-style: chr2-238289603-G-A.
Other names: c.1234C>T, p.Pro412Ser (NM_057167.4, NM_057165.5); c.631C>T, p.Pro211Ser (NM_057164.5, NM_057166.5); short protein forms P211S, P618S, P412S.
Identifiers: ClinVar variation 3669096 (VCV003669096.2).

ClinVar aggregate classification (germline): Uncertain significance (1 of 4 stars; one submission).

Conditions:
Bethlem myopathy 1A. Also called: MYOPATHY, BENIGN CONGENITAL, WITH CONTRACTURES; Bethlem myopathy 1; Bethlem Muscular Dystrophy. Identifiers: Orphanet 610, MedGen CN029274, MONDO:0024530, OMIM 158810.

gnomAD v4.1: 1 of 1,614,178 alleles (0.000062%); highest among the groups gnomAD compares: African/African-American, 0.0013%; no homozygotes.

Submission:

Labcorp Genetics (formerly Invitae), Labcorp
Classification: Uncertain significance for Bethlem myopathy 1A. Last evaluated: 2024-12-24. Review status: criteria provided, single submitter. Criteria: Invitae Variant Classification Sherloc (09022015). Collection method: clinical testing. Allele origin: germline.
Comment: This sequence change replaces proline, which is neutral and non-polar, with serine, which is neutral and polar, at codon 618 of the COL6A3 protein (p.Pro618Ser). This variant is not present in population databases (gnomAD no frequency). This variant has not been reported in the literature in individuals affected with COL6A3-related conditions. Invitae Evidence Modeling of protein sequence and biophysical properties (such as structural, functional, and spatial information, amino acid conservation, physicochemical variation, residue mobility, and thermodynamic stability) indicates that this missense variant is not expected to disrupt COL6A3 protein function with a negative predictive value of 95%. In summary, the available evidence is currently insufficient to determine the role of this variant in disease. Therefore, it has been classified as a Variant of Uncertain Significance.